The following is an entry in ClinVar:

ClinVar aggregate classification (germline): Uncertain significance (1 of 4 stars; one submission).

Conditions:
Cardiovascular phenotype. Identifiers: MedGen CN230736.

Allele frequency attached by ClinVar (database versions not stated): TOPMed 0.00001; gnomAD 0.00005.

Submission:

Ambry Genetics
Classification: Uncertain significance for Cardiovascular phenotype. Last evaluated: 2021-12-03. Review status: criteria provided, single submitter. Criteria: Ambry Variant Classification Scheme 2023. Collection method: clinical testing. Allele origin: germline.
Comment: The p.P1268L variant (also known as c.3803C>T), located in coding exon 2 of the ZNF469 gene, results from a C to T substitution at nucleotide position 3803. The proline at codon 1268 is replaced by leucine, an amino acid with similar properties. This amino acid position is conserved. In addition, this alteration is predicted to be tolerated by in silico analysis. Since supporting evidence is limited at this time, the clinical significance of this alteration remains unclear.

NM_001367624.2(ZNF469):c.3887C>T (p.Pro1296Leu)

Gene: ZNF469 (zinc finger protein 469; plus strand). Cytogenetic location: 16q24.2.
Variant type: single nucleotide variant.
Coding change: c.3887C>T on transcript NM_001367624.2 (MANE Select); coding-DNA position 3887, C replaced by T.
Protein change: p.Pro1296Leu; replaces proline 1296 with leucine.
Molecular consequence: missense variant.
Genome position (GRCh38, 1-based): chr16:88,431,357, C>T. VCF-style: chr16-88431357-C-T. GRCh37 (hg19) VCF-style: chr16-88497765-C-T.
Other names: NM_001127464.1:c.3803C>T; short protein forms P1296L.
Identifiers: ClinVar variation 1735090 (VCV001735090.2), dbSNP rs1430291519, ClinGen allele CA397087688.
Genomic context (GRCh38, chr16:88,431,357, plus strand): 5'-GCACCCCCAAGCCGTCGGGAAGCCTCGCCAACACGGCGCCCCACGGAAGCTCGCCAACGC[C>T]AGGTGTGGGCAGCCTGCTGGGTGGTCCTGGGGGCACACAGGCCCCAGTCTCCCACAACAG-3'
Protein context (NP_001354553.1, residues 1286-1306): NTAPHGSSPT[Pro1296Leu]GVGSLLGGPG